The following is an entry in ClinVar:

ClinVar aggregate classification (germline): Uncertain significance. Review status: criteria provided, multiple submitters, no conflicts (2 of 4 stars). 2 submissions from 2 submitters: Uncertain significance (2). Last evaluated 2025-04-07.

Conditions:
Cardiovascular phenotype. Identifiers: MedGen CN230736.

Allele frequency attached by ClinVar (database versions not stated): gnomAD 0.00001; gnomAD exomes below 0.00001; TOPMed 0.00001.
gnomAD v4.1: 3 of 1,613,970 alleles (0.00019%); highest among the groups gnomAD compares: Non-Finnish European, 0.00025%; no homozygotes.

Submissions (2):

Ambry Genetics
Classification: Uncertain significance for Cardiovascular phenotype. Last evaluated: 2025-04-07. Review status: criteria provided, single submitter. Criteria: Ambry Variant Classification Scheme 2023. Collection method: clinical testing. Allele origin: germline.
Comment: The p.T213A variant (also known as c.637A>G), located in coding exon 5 of the LPL gene, results from an A to G substitution at nucleotide position 637. The threonine at codon 213 is replaced by alanine, an amino acid with similar properties. This amino acid position is highly conserved in available vertebrate species. In addition, this alteration is predicted to be deleterious by in silico analysis. Based on the available evidence, the clinical significance of this variant remains unclear.

Labcorp Genetics (formerly Invitae), Labcorp
Classification: Uncertain significance. Last evaluated: 2022-02-08. Review status: criteria provided, single submitter. Criteria: Invitae Variant Classification Sherloc (09022015). Collection method: clinical testing. Allele origin: germline.
Comment: This sequence change replaces threonine, which is neutral and polar, with alanine, which is neutral and non-polar, at codon 213 of the LPL protein (p.Thr213Ala). This variant is not present in population databases (gnomAD no frequency). This variant has not been reported in the literature in individuals affected with LPL-related conditions. Algorithms developed to predict the effect of missense changes on protein structure and function are either unavailable or do not agree on the potential impact of this missense change (SIFT: "Tolerated"; PolyPhen-2: "Probably Damaging"; Align-GVGD: "Class C0"). In summary, the available evidence is currently insufficient to determine the role of this variant in disease. Therefore, it has been classified as a Variant of Uncertain Significance.

Literature cited by the submitters: PubMed 22129523 (cited by Ambry Genetics).

NM_000237.3(LPL):c.637A>G (p.Thr213Ala)

Gene: LPL (lipoprotein lipase; plus strand). Cytogenetic location: 8p21.3.
Variant type: single nucleotide variant.
Coding change: c.637A>G on transcript NM_000237.3 (MANE Select); coding-DNA position 637, A replaced by G.
Protein change: p.Thr213Ala; replaces threonine 213 with alanine.
Molecular consequence: missense variant.
Genome position (GRCh38, 1-based): chr8:19,954,215, A>G. VCF-style: chr8-19954215-A-G. GRCh37 (hg19) VCF-style: chr8-19811726-A-G.
Other names: c.637A>G (NM_000237.2); short protein forms T213A.
Identifiers: ClinVar variation 2136642 (VCV002136642.2), dbSNP rs1194544354, ClinGen allele CA370468453.